The following is an entry in ClinVar:

NM_000074.3(CD40LG):c.346+1G>T

Gene: CD40LG (CD40 ligand; plus strand). Cytogenetic location: Xq26.3.
Variant type: single nucleotide variant.
Coding change: c.346+1G>T on transcript NM_000074.3 (MANE Select); the canonical splice donor site of the intron after coding-DNA position 346, G replaced by T.
Molecular consequence: splice donor variant.
Genome position (GRCh38, 1-based): chrX:136,654,431, G>T. VCF-style: chrX-136654431-G-T. GRCh37 (hg19) VCF-style: chrX-135736590-G-T.
Identifiers: ClinVar variation 2138727 (VCV002138727.4), dbSNP rs2148552407, ClinGen allele CA414754904.

ClinVar aggregate classification (germline): Pathogenic (1 of 4 stars; one submission).

Conditions:
Hyper-IgM syndrome type 1. Also called: Hyper-IgM Immunodeficiency Syndrome, Type 1; CD40 Ligand Deficiency; X-linked hyper-IgM syndrome; Immunodeficiency, X-linked, with hyper-IgM. Identifiers: Orphanet 101088, MedGen C0398689, MONDO:0010626, OMIM 308230.

Submission:

Labcorp Genetics (formerly Invitae), Labcorp
Classification: Pathogenic for Hyper-IgM syndrome type 1. Last evaluated: 2022-08-16. Review status: criteria provided, single submitter. Criteria: Invitae Variant Classification Sherloc (09022015). Collection method: clinical testing. Allele origin: germline.
Comment: Algorithms developed to predict the effect of sequence changes on RNA splicing suggest that this variant may disrupt the consensus splice site. For these reasons, this variant has been classified as Pathogenic. This variant is also known as IVS3+1G>T. Disruption of this splice site has been observed in individual(s) with hyper IgM syndrome (PMID: 14514918, 24929972). This variant is not present in population databases (gnomAD no frequency). This sequence change affects a donor splice site in intron 3 of the CD40LG gene. It is expected to disrupt RNA splicing. Variants that disrupt the donor or acceptor splice site typically lead to a loss of protein function (PMID: 16199547), and loss-of-function variants in CD40LG are known to be pathogenic (PMID: 15319456).

Literature cited by the submitters: PubMed 14514918; PubMed 24929972; PubMed 16199547; PubMed 15319456.